The following is an entry in ClinVar:

NM_001267550.2(TTN):c.36345_36351dup (p.Pro12118Ter)

Gene: TTN (titin; minus strand). Cytogenetic location: 2q31.2.
Variant type: Duplication.
Coding change: c.36345_36351dup on transcript NM_001267550.2 (MANE Select); coding-DNA positions 36345 to 36351, 7 bases duplicated (TGAAGTC; older notation c.36345_36351dupTGAAGTC).
Protein change: p.Pro12118Ter; replaces proline 12118 with a stop codon.
Molecular consequence: nonsense. On other transcripts: intron variant (6).
Genome position (GRCh38, 1-based): chr2:178,664,028-178,664,034, GACTTCA duplicated on the plus strand (TGAAGTC on the coding strand, the reverse complement: TTN is on the minus strand); duplicating any 7 consecutive bases within chr2:178,664,028-178,664,035 gives the same sequence; the c. name uses the placement nearest the transcript's 3' end. VCF-style (leftmost placement, unchanged base first): chr2-178664027-G-GGACTTCA. GRCh37 (hg19) VCF-style: chr2-179528754-G-GGACTTCA.
Other names: c.31484-979_31484-973dupTGAAGTC (NM_133378.4); c.13283-21717_13283-21711dup (NM_003319.4); c.13859-21717_13859-21711dup (NM_133437.4); c.13658-21717_13658-21711dup (NM_133432.3); c.31484-979_31484-973dup (NM_133378.4); c.34265-979_34265-973dup (NM_001256850.1); short protein forms P12118*.
Identifiers: ClinVar variation 4853536 (VCV004853536.1).

ClinVar aggregate classification (germline): Likely pathogenic (1 of 4 stars; one submission).

Conditions:
Autosomal recessive titinopathy. Identifiers: MedGen CN315649, MONDO:0100493.

Submission:

Women's Health and Genetics/Laboratory Corporation of America, LabCorp
Classification: Likely pathogenic for Autosomal recessive titinopathy. Last evaluated: 2026-05-27. Review status: criteria provided, single submitter. Criteria: LabCorp Variant Classification Summary - May 2015. Collection method: clinical testing. Allele origin: germline.
Comment: Variant summary: TTN c.31484-979_31484-973dupTGAAGTC is located at a position not widely known to affect splicing. This variant corresponds to c.36345_36351dupTGAAGTC, p.Pro12118X in NM_001267550. Loss of function variants in all TTN bands are strongly associated with a spectrum of autosomal recessive titinopathies when exon expression (proportion spliced in, PSI, 1=complete expression) in skeletal muscle is >0.1 (PMID: 36977548, 39198997, 29598826, 32778822, 29691892, 33449170, 36977548, internal data). In contrast, loss of function variants in all TTN bands are only strongly associated with autosomal dominant TTN-related cardiomyopathies if located in exons constitutively expressed (PSI >0.9) in cardiac muscle, excluding extreme C-terminal exons 359-363 (PMID: 25589632, 31216868, 32964742, 34662387, 27869827, Shetty et al., Nat Cardiovasc Res 2024,, internal data). This variant has a maximum skeletal muscle PSI of 0.568 and a maximum cardiac muscle PSI of 0.020 in exon 169 of transcript NM_001267550. The variant was absent in 244316 control chromosomes. The available data on variant occurrences in the general population are insufficient to allow any conclusion about variant significance. To our knowledge, no occurrence of c.31484-979_31484-973dupTGAAGTC in individuals affected with TTN-related conditions and no experimental evidence demonstrating its impact on protein function have been reported. No submitters have cited clinical-significance assessments for this variant to ClinVar. Based on the evidence outlined above, the variant was classified as likely pathogenic for autosomal recessive TTN-related conditions.